The following is an entry in ClinVar:

NM_001077350.3(NPRL3):c.1315C>T (p.Leu439Phe)

Genes: HBA-LCR (alpha-globin locus control region; plus strand), NPRL3 (NPR3 like, GATOR1 complex subunit; minus strand). Cytogenetic location: 16p13.3.
Variant type: single nucleotide variant.
Coding change: c.1315C>T on transcript NM_001077350.3 (MANE Select); coding-DNA position 1315, C replaced by T.
Protein change: p.Leu439Phe; replaces leucine 439 with phenylalanine.
Molecular consequence: missense variant.
Genome position (GRCh38, 1-based): chr16:89,749, G>A on the plus strand (C>T on the coding strand, the complement: NPRL3 is on the minus strand). VCF-style: chr16-89749-G-A. GRCh37 (hg19) VCF-style: chr16-139747-G-A.
Other names: c.1315C>T (NM_001077350.2); c.778C>T, p.Leu260Phe (NM_001039476.3); c.1081C>T, p.Leu361Phe (NM_001243247.2); c.1240C>T, p.Leu414Phe (NM_001243248.2, NM_001243249.2); short protein forms L260F, L361F, L414F, L439F.
Identifiers: ClinVar variation 1004949 (VCV001004949.9), dbSNP rs763320453, ClinGen allele CA7769373.

ClinVar aggregate classification (germline): Uncertain significance. Review status: criteria provided, multiple submitters, no conflicts (2 of 4 stars). 2 submissions from 2 submitters: Uncertain significance (2). Last evaluated 2024-02-16.

Conditions:
Epilepsy, familial focal, with variable foci 3 (FFEVF3). Identifiers: MedGen C4310708, MONDO:0014925, OMIM 617118.
Inborn genetic diseases. Identifiers: MedGen C0950123, MeSH D030342.

Allele frequency attached by ClinVar (database versions not stated): TOPMed below 0.00001; ExAC 0.00001; gnomAD 0.00001; gnomAD exomes 0.00001.
gnomAD v4.1: 6 of 1,596,090 alleles (0.00038%); highest among the groups gnomAD compares: Admixed American, 0.0052%; no homozygotes.

Submissions (2):

Labcorp Genetics (formerly Invitae), Labcorp
Classification: Uncertain significance for Epilepsy, familial focal, with variable foci 3. Last evaluated: 2024-02-16. Review status: criteria provided, single submitter. Criteria: Invitae Variant Classification Sherloc (09022015). Collection method: clinical testing. Allele origin: germline.
Comment: This sequence change replaces leucine, which is neutral and non-polar, with phenylalanine, which is neutral and non-polar, at codon 439 of the NPRL3 protein (p.Leu439Phe). This variant is present in population databases (rs763320453, gnomAD 0.007%). This variant has not been reported in the literature in individuals affected with NPRL3-related conditions. ClinVar contains an entry for this variant (Variation ID: 1004949). Advanced modeling of protein sequence and biophysical properties (such as structural, functional, and spatial information, amino acid conservation, physicochemical variation, residue mobility, and thermodynamic stability) performed at Invitae indicates that this missense variant is not expected to disrupt NPRL3 protein function with a negative predictive value of 80%. In summary, the available evidence is currently insufficient to determine the role of this variant in disease. Therefore, it has been classified as a Variant of Uncertain Significance.

Ambry Genetics
Classification: Uncertain significance for Inborn genetic diseases. Last evaluated: 2021-08-10. Review status: criteria provided, single submitter. Criteria: Ambry Variant Classification Scheme 2023. Collection method: clinical testing. Allele origin: germline.